The following is an entry in ClinVar:

ClinVar aggregate classification (germline): Likely benign (1 of 4 stars; one submission).

gnomAD v4.1: 46 of 1,605,920 alleles (0.0029%); highest among the groups gnomAD compares: Non-Finnish European, 0.00094%; no homozygotes.

Submission:

Mayo Clinic Laboratories, Mayo Clinic
Classification: Likely benign. Last evaluated: 2025-11-14. Review status: criteria provided, single submitter. Criteria: ACMG Guidelines, 2015. Collection method: clinical testing. Allele origin: germline. Observed: 1 variant allele.
Comment: BS1, BP4, BP7

NM_016038.4(SBDS):c.259-9T>C

Gene: SBDS (SBDS ribosome maturation factor; minus strand). Cytogenetic location: 7q11.21.
Variant type: single nucleotide variant.
Coding change: c.259-9T>C on transcript NM_016038.4 (MANE Select); 9 bases into the intron before coding-DNA position 259, T replaced by C.
Molecular consequence: intron variant.
Genome position (GRCh38, 1-based): chr7:66,993,426, A>G on the plus strand (T>C on the coding strand, the complement: SBDS is on the minus strand). VCF-style: chr7-66993426-A-G. GRCh37 (hg19) VCF-style: chr7-66458413-A-G.
Other names: p.?.
Identifiers: ClinVar variation 4683275 (VCV004683275.1).